The following is an entry in ClinVar:

NM_178452.6(DNAAF1):c.1937del (p.Leu646fs)

Gene: DNAAF1 (dynein axonemal assembly factor 1; plus strand). Cytogenetic location: 16q24.1.
Variant type: Deletion.
Coding change: c.1937del on transcript NM_178452.6 (MANE Select); coding-DNA position 1937, one base deleted (T; older notation c.1937delT).
Protein change: p.Leu646fs; shifts the reading frame from leucine 646.
Molecular consequence: frameshift variant.
Genome position (GRCh38, 1-based): chr16:84,176,171, T deleted. VCF-style (leftmost placement, unchanged base first): chr16-84176170-CT-C. GRCh37 (hg19) VCF-style: chr16-84209776-CT-C.
Other names: c.1229del, p.Leu410fs (NM_001318756.1); short protein forms L410fs, L646fs.
Identifiers: ClinVar variation 525389 (VCV000525389.7), dbSNP rs1555527001, ClinGen allele CA658798648.

ClinVar aggregate classification (germline): Pathogenic (1 of 4 stars; one submission).

Conditions:
Primary ciliary dyskinesia. Also called: Ciliary dyskinesia. Identifiers: Orphanet 244, MedGen C0008780, MONDO:0016575, HP:0012265.

Allele frequency attached by ClinVar (database versions not stated): gnomAD exomes 0.00001; TOPMed 0.00001.

Submission:

Labcorp Genetics (formerly Invitae), Labcorp
Classification: Pathogenic for Primary ciliary dyskinesia. Last evaluated: 2017-12-05. Review status: criteria provided, single submitter. Criteria: Invitae Variant Classification Sherloc (09022015). Collection method: clinical testing. Allele origin: germline.
Comment: For these reasons, this variant has been classified as Pathogenic. Loss-of-function variants in DNAAF1 are known to be pathogenic (PMID: 19944400, 19944405). This variant has not been reported in the literature in individuals with DNAAF1-related disease. This variant is not present in population databases (ExAC no frequency). This sequence change creates a premature translational stop signal (p.Leu646Argfs*15) in the DNAAF1 gene. It is expected to result in an absent or disrupted protein product.

Literature cited by the submitters: PubMed 19944400; PubMed 19944405.